The following is an entry in ClinVar:

ClinVar aggregate classification (germline): Uncertain significance (1 of 4 stars; one submission).

Conditions:
Cardiovascular phenotype. Identifiers: MedGen CN230736.

Submission:

Ambry Genetics
Classification: Uncertain significance for Cardiovascular phenotype. Last evaluated: 2023-09-25. Review status: criteria provided, single submitter. Criteria: Ambry Variant Classification Scheme 2023. Collection method: clinical testing. Allele origin: germline.
Comment: The p.K138E variant (also known as c.412A>G), located in coding exon 5 of the TNNC1 gene, results from an A to G substitution at nucleotide position 412. The lysine at codon 138 is replaced by glutamic acid, an amino acid with similar properties. This amino acid position is conserved. In addition, the in silico prediction for this alteration is inconclusive. Since supporting evidence is limited at this time, the clinical significance of this alteration remains unclear.

NM_003280.3(TNNC1):c.412A>G (p.Lys138Glu)

Gene: TNNC1 (troponin C1, slow skeletal and cardiac type; minus strand). Cytogenetic location: 3p21.1.
Variant type: single nucleotide variant.
Coding change: c.412A>G on transcript NM_003280.3 (MANE Select); coding-DNA position 412, A replaced by G.
Protein change: p.Lys138Glu; replaces lysine 138 with glutamic acid.
Molecular consequence: missense variant.
Genome position (GRCh38, 1-based): chr3:52,451,433, T>C on the plus strand (A>G on the coding strand, the complement: TNNC1 is on the minus strand). VCF-style: chr3-52451433-T-C. GRCh37 (hg19) VCF-style: chr3-52485449-T-C.
Other names: short protein forms K138E.
Identifiers: ClinVar variation 2585944 (VCV002585944.2), dbSNP rs2471443631, ClinGen allele CA353165271.
Genomic context (GRCh38, chr3:52,451,433, plus strand): 5'-GCCCACCCACCCGCTTACCATCATAGTCGATGCGGCCGTCGTTGTTCTTGTCTCCGTCCT[T>C]CATGAGCTCCTCGATGTCGTCCTCCGTGATGGTCTCGCCTGTAGCCTGCAGCATTATCTT-3'
Protein context (NP_003271.1, residues 128-148): ITEDDIEELM[Lys138Glu]DGDKNNDGRI